The following is an entry in ClinVar:

NM_194248.3(OTOF):c.2222G>T (p.Gly741Val)

Genes: OTOF (otoferlin; minus strand), LOC129933334 (ATAC-STARR-seq lymphoblastoid active region 15473; plus strand). Cytogenetic location: 2p23.3.
Variant type: single nucleotide variant.
Coding change: c.2222G>T on transcript NM_194248.3 (MANE Select); coding-DNA position 2222, G replaced by T.
Protein change: p.Gly741Val; replaces glycine 741 with valine.
Molecular consequence: missense variant. On other transcripts: 5 prime UTR variant (2).
Genome position (GRCh38, 1-based): chr2:26,477,742, C>A on the plus strand (G>T on the coding strand, the complement: OTOF is on the minus strand). VCF-style: chr2-26477742-C-A. GRCh37 (hg19) VCF-style: chr2-26700610-C-A.
Other names: c.2222G>T, p.Gly741Val (NM_001287489.2); c.-20G>T (NM_004802.4, NM_194323.3); c.152G>T, p.Gly51Val (NM_194322.3); short protein forms G51V, G741V.
Identifiers: ClinVar variation 3615944 (VCV003615944.2).

ClinVar aggregate classification (germline): Uncertain significance. Review status: criteria provided, multiple submitters, no conflicts (2 of 4 stars). 2 submissions from 2 submitters: Uncertain significance (2). Last evaluated 2024-02-17.

gnomAD v4.1: 59 of 1,612,586 alleles (0.0037%); highest among the groups gnomAD compares: Non-Finnish European, 0.0047%; no homozygotes.

Submissions (2):

Labcorp Genetics (formerly Invitae), Labcorp
Classification: Uncertain significance. Last evaluated: 2024-02-17. Review status: criteria provided, single submitter. Criteria: Invitae Variant Classification Sherloc (09022015). Collection method: clinical testing. Allele origin: germline.
Comment: This sequence change replaces glycine, which is neutral and non-polar, with valine, which is neutral and non-polar, at codon 741 of the OTOF protein (p.Gly741Val). This variant is present in population databases (no rsID available, gnomAD 0.002%). This variant has not been reported in the literature in individuals affected with OTOF-related conditions. Advanced modeling of protein sequence and biophysical properties (such as structural, functional, and spatial information, amino acid conservation, physicochemical variation, residue mobility, and thermodynamic stability) has been performed at Invitae for this missense variant, however the output from this modeling did not meet the statistical confidence thresholds required to predict the impact of this variant on OTOF protein function. In summary, the available evidence is currently insufficient to determine the role of this variant in disease. Therefore, it has been classified as a Variant of Uncertain Significance.

Blueprint Genetics
Classification: Uncertain significance. Last evaluated: 2019-03-15. Review status: criteria provided, single submitter. Criteria: ACMG Guidelines, 2015. Collection method: clinical testing. Allele origin: germline.